The following is an entry in ClinVar:

NC_000012.12:g.40490503G>C

Gene: MUC19 (mucin 19, oligomeric (gene/pseudogene); plus strand). Cytogenetic location: 12q12.
Variant type: single nucleotide variant.
Genome position: GRCh38 VCF-style: chr12-40490503-G-C. GRCh37 (hg19) VCF-style: chr12-40884305-G-C.
Identifiers: ClinVar variation 2642876 (VCV002642876.24), dbSNP rs1948651870, ClinGen allele CA2695199060.

ClinVar aggregate classification (germline): Likely benign (1 of 4 stars; one submission).

Submission:

CeGaT Center for Human Genetics Tuebingen
Classification: Likely benign. Last evaluated: 2022-10-01. Review status: criteria provided, single submitter. Criteria: CeGaT Center For Human Genetics Tuebingen Variant Classification Criteria Version 2. Collection method: clinical testing. Allele origin: germline. Affected: yes. Observed: 1 variant allele.
Comment: MUC19: PM2:Supporting, BP4, BP7